The following is an entry in ClinVar:

NM_025081.3(NYNRIN):c.2960C>T (p.Pro987Leu)

Gene: NYNRIN (NYN domain and retroviral integrase containing; plus strand). Cytogenetic location: 14q12.
Variant type: single nucleotide variant.
Coding change: c.2960C>T on transcript NM_025081.3 (MANE Select); coding-DNA position 2960, C replaced by T.
Protein change: p.Pro987Leu; replaces proline 987 with leucine.
Molecular consequence: missense variant.
Genome position (GRCh38, 1-based): chr14:24,414,709, C>T. VCF-style: chr14-24414709-C-T. GRCh37 (hg19) VCF-style: chr14-24883915-C-T.
Other names: short protein forms P987L.
Identifiers: ClinVar variation 3882123 (VCV003882123.2).

ClinVar aggregate classification (germline): Uncertain significance. Review status: criteria provided, multiple submitters, no conflicts (2 of 4 stars). 2 submissions from 2 submitters: Uncertain significance (2). Last evaluated 2025-05-07.

gnomAD v4.1: 77 of 1,613,100 alleles (0.0048%); highest among the groups gnomAD compares: East Asian, 0.0067%; no homozygotes.

Submissions (2):

Labcorp Genetics (formerly Invitae), Labcorp
Classification: Uncertain significance. Last evaluated: 2025-05-07. Review status: criteria provided, single submitter. Criteria: Invitae Variant Classification Sherloc (09022015). Collection method: clinical testing. Allele origin: germline.
Comment: This sequence change replaces proline, which is neutral and non-polar, with leucine, which is neutral and non-polar, at codon 987 of the NYNRIN protein (p.Pro987Leu). This variant is present in population databases (rs373042156, gnomAD 0.02%). This variant has not been reported in the literature in individuals affected with NYNRIN-related conditions. Experimental studies and prediction algorithms are not available or were not evaluated, and the functional significance of this variant is currently unknown. In summary, the available evidence is currently insufficient to determine the role of this variant in disease. Therefore, it has been classified as a Variant of Uncertain Significance.

Ambry Genetics
Classification: Uncertain significance. Last evaluated: 2025-03-01. Review status: criteria provided, single submitter. Criteria: Ambry Variant Classification Scheme 2023. Collection method: clinical testing. Allele origin: germline.